The following is an entry in ClinVar:

NM_021076.4(NEFH):c.665C>T (p.Ala222Val)

Gene: NEFH (neurofilament heavy chain; plus strand). Cytogenetic location: 22q12.2.
Variant type: single nucleotide variant.
Coding change: c.665C>T on transcript NM_021076.4 (MANE Select); coding-DNA position 665, C replaced by T.
Protein change: p.Ala222Val; replaces alanine 222 with valine.
Molecular consequence: missense variant.
Genome position (GRCh38, 1-based): chr22:29,480,927, C>T. VCF-style: chr22-29480927-C-T. GRCh37 (hg19) VCF-style: chr22-29876916-C-T.
Other names: short protein forms A222V.
Identifiers: ClinVar variation 1754725 (VCV001754725.10), dbSNP rs1048827690, ClinGen allele CA323083071.

ClinVar aggregate classification (germline): Benign/Likely benign. Review status: criteria provided, multiple submitters, no conflicts (2 of 4 stars). 4 submissions from 4 submitters: Benign (1); Likely benign (3). Last evaluated 2025-12-10.

Conditions:
NEFH-related disorder. Also called: NEFH-related condition.
Inborn genetic diseases. Identifiers: MedGen C0950123, MeSH D030342.

Allele frequency attached by ClinVar (database versions not stated): TOPMed 0.00017.
gnomAD v4.1: 70 of 1,519,950 alleles (0.0046%); highest among the groups gnomAD compares: Admixed American, 0.097%; no homozygotes.

Submissions (4):

Labcorp Genetics (formerly Invitae), Labcorp
Classification: Benign. Last evaluated: 2025-12-10. Review status: criteria provided, single submitter. Criteria: Invitae Variant Classification Sherloc (09022015). Collection method: clinical testing. Allele origin: germline.

Women's Health and Genetics/Laboratory Corporation of America, LabCorp
Classification: Likely benign. Last evaluated: 2024-11-29. Review status: criteria provided, single submitter. Criteria: LabCorp Variant Classification Summary - May 2015. Collection method: clinical testing. Allele origin: germline.

PreventionGenetics, part of Exact Sciences
Classification: Likely benign for NEFH-related condition. Last evaluated: 2024-11-18. Review status: criteria provided, single submitter. Criteria: ACMG Guidelines, 2015. Collection method: clinical testing. Allele origin: germline.
Comment: This variant is classified as likely benign based on ACMG/AMP sequence variant interpretation guidelines (Richards et al. 2015 PMID: 25741868, with internal and published modifications).

Ambry Genetics
Classification: Likely benign for Inborn genetic diseases. Last evaluated: 2021-08-04. Review status: criteria provided, single submitter. Criteria: Ambry Variant Classification Scheme 2023. Collection method: clinical testing. Allele origin: germline.